The following is an entry in ClinVar:

ClinVar aggregate classification (germline): Likely benign. Review status: criteria provided, multiple submitters, no conflicts (2 of 4 stars). 4 submissions from 4 submitters: Likely benign (4). Last evaluated 2025-12-23.

Conditions:
TTN-related disorder. Also called: TTN-related condition; TTN-related disease; TTN-related disorders.
Cardiovascular phenotype. Identifiers: MedGen CN230736.
Autosomal recessive limb-girdle muscular dystrophy type 2J (LGMDR10). Also called: Limb-girdle muscular dystrophy, type 2J; MUSCULAR DYSTROPHY, LIMB-GIRDLE, AUTOSOMAL RECESSIVE 10. Identifiers: Orphanet 140922, MedGen C1837342, MONDO:0012127, OMIM 608807.
Dilated cardiomyopathy 1G (CMD1G). Identifiers: Orphanet 154, MedGen C1858763, MONDO:0011400, OMIM 604145.
Cardiomyopathy (CMYO). Also called: Cardiomyopathies. Identifiers: Orphanet 167848, MedGen C0878544, MONDO:0004994, HP:0001638. Inheritance: Various modes of inheritance.

Allele frequency attached by ClinVar (database versions not stated): gnomAD exomes below 0.00001; gnomAD 0.00001; TOPMed 0.00002.
gnomAD v4.1: 2 of 1,609,454 alleles (0.00012%); highest among the groups gnomAD compares: African/African-American, 0.0027%; no homozygotes.

Submissions (4):

PreventionGenetics, part of Exact Sciences
Classification: Likely benign for TTN-related condition. Last evaluated: 2025-12-23. Review status: criteria provided, single submitter. Criteria: ACMG Guidelines, 2015. Collection method: clinical testing. Allele origin: germline.
Comment: This variant is classified as likely benign based on ACMG/AMP sequence variant interpretation guidelines (Richards et al. 2015 PMID: 25741868, with internal and published modifications).

Labcorp Genetics (formerly Invitae), Labcorp
Classification: Likely benign for Dilated cardiomyopathy 1G; Autosomal recessive limb-girdle muscular dystrophy type 2J. Last evaluated: 2025-10-27. Review status: criteria provided, single submitter. Criteria: Invitae Variant Classification Sherloc (09022015). Collection method: clinical testing. Allele origin: germline.

Ambry Genetics
Classification: Likely benign for Cardiovascular phenotype. Last evaluated: 2024-08-31. Review status: criteria provided, single submitter. Criteria: Ambry Variant Classification Scheme 2023. Collection method: clinical testing. Allele origin: germline.

CHEO Genetics Diagnostic Laboratory, Children's Hospital of Eastern Ontario
Classification: Likely benign for Cardiomyopathy. Last evaluated: 2023-05-01. Review status: criteria provided, single submitter. Criteria: ACMG Guidelines, 2015. Collection method: clinical testing. Allele origin: germline.

NM_001267550.2(TTN):c.57618T>C (p.Phe19206=)

Genes: TTN (titin; minus strand), TTN-AS1 (TTN antisense RNA 1; plus strand). Cytogenetic location: 2q31.2.
Variant type: single nucleotide variant.
Coding change: c.57618T>C on transcript NM_001267550.2 (MANE Select); coding-DNA position 57618, T replaced by C.
Protein change: p.Phe19206=; no amino-acid change (phenylalanine 19206 retained).
Molecular consequence: synonymous variant.
Genome position (GRCh38, 1-based): chr2:178,595,736, A>G on the plus strand (T>C on the coding strand, the complement: TTN is on the minus strand). VCF-style: chr2-178595736-A-G. GRCh37 (hg19) VCF-style: chr2-179460463-A-G.
Other names: c.52695T>C, p.Phe17565= (NM_001256850.1); c.30423T>C, p.Phe10141= (NM_003319.4); c.49914T>C, p.Phe16638= (NM_133378.4); c.30798T>C, p.Phe10266= (NM_133432.3); c.30999T>C, p.Phe10333= (NM_133437.4).
Identifiers: ClinVar variation 467304 (VCV000467304.12), dbSNP rs879238032, ClinGen allele CA60973683.